The following is an entry in ClinVar:

NM_000212.3(ITGB3):c.155_156delinsTT (p.Cys52Phe)

Gene: ITGB3 (integrin subunit beta 3; plus strand). Cytogenetic location: 17q21.32.
Variant type: Indel.
Coding change: c.155_156delinsTT on transcript NM_000212.3 (MANE Select); coding-DNA positions 155 to 156, GC replaced by TT.
Protein change: p.Cys52Phe; replaces cysteine 52 with phenylalanine.
Molecular consequence: missense variant.
Genome position (GRCh38, 1-based): chr17:47,274,494-47,274,495, GC replaced by TT. VCF-style: chr17-47274494-GC-TT. GRCh37 (hg19) VCF-style: chr17-45351860-GC-TT.
Other names: NM_000212.3:c.155_156delinsTT; short protein forms C52F.
Identifiers: ClinVar variation 2736608 (VCV002736608.3), dbSNP rs2547613589, ClinGen allele CA915940691.

ClinVar aggregate classification (germline): Uncertain significance. Review status: reviewed by expert panel (3 of 4 stars). 2 submissions from 2 submitters: Uncertain significance (1). 1 of the submissions does not count toward it. Last evaluated 2025-12-16.

Conditions:
Glanzmann thrombasthenia. Also called: BLEEDING DISORDER, PLATELET-TYPE, 2; THROMBASTHENIA OF GLANZMANN AND NAEGELI; Thrombasthenia; Glanzmann's thrombasthenia; PLATELET GLYCOPROTEIN IIb-IIIa DEFICIENCY. Identifiers: Orphanet 849, MedGen C0040015, MONDO:0100326.

Submissions (2):

ClinGen Platelet Disorders Variant Curation Expert Panel, ClinGen
Classification: Uncertain significance for Glanzmann thrombasthenia. Last evaluated: 2025-12-16. Review status: reviewed by expert panel. Criteria: ClinGen Platelet ACMG Specifications v2-1. Collection method: curation. Allele origin: germline. Inheritance: Autosomal recessive inheritance.
Comment: The indel variant NM_000212.3(ITGB3):c.155_156delinsTT (p.Cys52Phe) is absent from gnomAD v4.1 (PM2_Supporting). PolyPhen2, MutationTaster, and FATHMM agree that this variant is deleterious (PP3). At least one patient (GT59 in PMID: 19691478, GT database, record 239) with this variant displayed mucocutaneous bleeding and impaired aggregation with all agonists except ristocetin, which is highly specific for Glanzmann thrombasthenia (PP4_moderate). Additionally, αIIbβ3 surface expression was reduced to <10%, as measured by flow cytometry. GT59 (PMID: 19691478) is homozygous for this variant (PM3_supporting). In summary, this variant meets the criteria to be classified as uncertain significance for autosomal recessive Glanzmann Thrombasthenia based on the ACMG/AMP criteria applied, as specified by the ClinGen PD VCEP: PP4_moderate, PM2_supporting, PM3_supporting, PP3 (VCEP specifications version 2.1).

Labcorp Genetics (formerly Invitae), Labcorp
Classification: Uncertain significance. Last evaluated: 2024-08-05. Review status: criteria provided, single submitter. Criteria: Invitae Variant Classification Sherloc (09022015). Collection method: clinical testing. Allele origin: germline. Not counted in ClinVar's aggregate classification.
Comment: This sequence change replaces cysteine, which is neutral and slightly polar, with phenylalanine, which is neutral and non-polar, at codon 52 of the ITGB3 protein (p.Cys52Phe). This variant is present in population databases (no rsID available, gnomAD 0.002%). This missense change has been observed in individuals with Glanzmann's thrombasthenia (PMID: 19691478, 31029159). An algorithm developed to predict the effect of missense changes on protein structure and function (PolyPhen-2) suggests that this variant is likely to be disruptive. In summary, the available evidence is currently insufficient to determine the role of this variant in disease. Therefore, it has been classified as a Variant of Uncertain Significance.

Literature cited by the submitters: PubMed 19691478 (cited by Labcorp Genetics (formerly Invitae), Labcorp); PubMed 31029159 (cited by Labcorp Genetics (formerly Invitae), Labcorp).